The following is an entry in ClinVar:

NM_000535.7(PMS2):c.2533C>G (p.His845Asp)

Gene: PMS2 (PMS1 homolog 2, mismatch repair system component; minus strand). Cytogenetic location: 7p22.1.
Variant type: single nucleotide variant.
Coding change: c.2533C>G on transcript NM_000535.7 (MANE Select); coding-DNA position 2533, C replaced by G.
Protein change: p.His845Asp; replaces histidine 845 with aspartic acid.
Molecular consequence: missense variant. On other transcripts: non-coding transcript variant (1).
Genome position (GRCh38, 1-based): chr7:5,973,455, G>C on the plus strand (C>G on the coding strand, the complement: PMS2 is on the minus strand). VCF-style: chr7-5973455-G-C. GRCh37 (hg19) VCF-style: chr7-6013086-G-C.
Other names: c.2128C>G, p.His710Asp (NM_001322003.2, NM_001322004.2, NM_001322005.2); c.2377C>G, p.His793Asp (NM_001322006.2); c.2215C>G, p.His739Asp (NM_001322007.2, NM_001322008.2); c.2161C>G, p.His721Asp (NM_001322009.2); c.1972C>G, p.His658Asp (NM_001322010.2); c.1600C>G, p.His534Asp (NM_001322011.2, NM_001322012.2); c.1960C>G, p.His654Asp (NM_001322013.2); c.2566C>G, p.His856Asp (NM_001322014.2); and 2 more; short protein forms H534D, H721D, H845D, H739D, H793D, H654D, H710D, H658D.
Identifiers: ClinVar variation 1036854 (VCV001036854.11), dbSNP rs1781489538, ClinGen allele CA366734851.

ClinVar aggregate classification (germline): Pathogenic/Likely pathogenic. Review status: criteria provided, multiple submitters, no conflicts (2 of 4 stars). 4 submissions from 4 submitters: Pathogenic (1); Likely pathogenic (1). 2 of the submissions do not count toward it. Last evaluated 2025-12-31.

Conditions:
Hereditary nonpolyposis colorectal neoplasms. Identifiers: MedGen C0009405, MeSH D003123.
Lynch syndrome 4 (LYNCH4). Also called: Hereditary non-polyposis colorectal cancer, type 4; Colorectal cancer, hereditary nonpolyposis, type 4. Identifiers: Orphanet 144, MedGen C1838333, MONDO:0013699, OMIM 614337. Disease mechanism: loss of function.
Hereditary cancer-predisposing syndrome. Also called: Tumor predisposition; Neoplastic Syndromes, Hereditary; Hereditary neoplastic syndrome; Hereditary Cancer Syndrome. Identifiers: Orphanet 140162, MedGen C0027672, MeSH D009386, MONDO:0015356.

Submissions (4):

Myriad Genetics, Inc.
Classification: Likely pathogenic for Lynch syndrome 4. Last evaluated: 2025-12-31. Review status: criteria provided, single submitter. Criteria: Myriad Autosomal Dominant, Autosomal Recessive and X-Linked Classification Criteria (2023). Collection method: clinical testing. Allele origin: unknown.
Comment: This variant is considered likely pathogenic. This variant has been reported in multiple individuals with clinical features of gene-specific disease [PMID: 36586540, 36824296]. This variant is expected to disrupt protein structure [Myriad internal data]. Functional studies indicate this variant impacts protein function [PMID: 35451539,18619468].

Ambry Genetics
Classification: Pathogenic for Hereditary cancer-predisposing syndrome. Last evaluated: 2025-06-05. Review status: criteria provided, single submitter. Criteria: Ambry Variant Classification Scheme 2023. Collection method: clinical testing. Allele origin: germline.
Comment: The p.H845D pathogenic mutation (also known as c.2533C>G), located in coding exon 15 of the PMS2 gene, results from a C to G substitution at nucleotide position 2533. The histidine at codon 845 is replaced by aspartic acid, an amino acid with similar properties. This variant has been detected as homozygous in individuals with PMS2-related constitutional mismatch repair deficiency (Brozou T et al. Front Pediatr, 2022 Feb;10:1080347; Gallon R et al. Gastroenterology, 2023 Apr;164:579-592.e8). This variant has been identified as germline in conjunction with somatic pathogenic PMS2 variants in tumors that demonstrated high microsatellite instability with loss of PMS2 expression by immunohistochemistry (Ambry internal data; Vos JR et al. Int J Cancer, 2020 Oct;147:2150-2158). Other variant(s) at the same codon, p.H845R (c.2534A>G), have been identified in individual(s) whose Lynch-associated tumors demonstrated high microsatellite instability and/or loss of PMS2 expression by immunohistochemistry (Goodenberger ML et al. Genet. Med., 2016 Jan;18:13-9; Yurgelun et al. J Clin Oncol 2017 Apr;35(10):1086-1095; Ambry internal data). This missense alteration is located in a region that has a low rate of benign missense variation (Lek M et al. Nature. 2016 Aug 18;536(7616):285-91; DECIPHER: Database of Chromosomal Imbalance and Phenotype in Humans using Ensembl Resources. Firth H.V. et al. 2009. Am.J.Hum.Genet. 84, 524-533 (DOI)). This variant is considered to be rare based on population cohorts in the Genome Aggregation Database (gnomAD). This amino acid position is highly conserved in available vertebrate species. In addition, this alteration is predicted to be deleterious by in silico analysis. Based on the supporting evidence, this variant is interpreted as a disease-causing mutation.

Hereditary Cancer Laboratory, Hospital Universitario 12 de Octubre
Classification: Uncertain significance for Hereditary cancer-predisposing syndrome. Last evaluated: 2025-02-18. Review status: flagged submission. Criteria: ACMG Guidelines, 2015. Collection method: clinical testing. Allele origin: germline. Not counted in ClinVar's aggregate classification.
Comment: PM2_Supporting, PP3_Moderate
ClinVar note: Reason: Claim with insufficient supporting evidence

Labcorp Genetics (formerly Invitae), Labcorp
Classification: Uncertain significance for Hereditary nonpolyposis colorectal neoplasms. Last evaluated: 2020-09-25. Review status: flagged submission. Criteria: Invitae Variant Classification Sherloc (09022015). Collection method: clinical testing. Allele origin: germline. Not counted in ClinVar's aggregate classification.
Comment: This variant has not been reported in the literature in individuals with PMS2-related conditions. In summary, the available evidence is currently insufficient to determine the role of this variant in disease. Therefore, it has been classified as a Variant of Uncertain Significance. Advanced modeling of protein sequence and biophysical properties (such as structural, functional, and spatial information, amino acid conservation, physicochemical variation, residue mobility, and thermodynamic stability) performed at Invitae indicates that this missense variant is expected to disrupt PMS2 protein function. The frequency data for this variant in the population databases (ExAC) is considered unreliable due to the presence of homologous sequence, such as pseudogenes or paralogs, in the genome. This sequence change replaces histidine with aspartic acid at codon 845 of the PMS2 protein (p.His845Asp). The histidine residue is highly conserved and there is a moderate physicochemical difference between histidine and aspartic acid.
ClinVar note: Reason: Older claim that does not account for recent evidence

Literature cited by the submitters: PubMed 36586540 (cited by Myriad Genetics, Inc. and Ambry Genetics); PubMed 36824296 (cited by Myriad Genetics, Inc. and Ambry Genetics); PubMed 35451539 (cited by Myriad Genetics, Inc.); PubMed 18619468 (cited by Myriad Genetics, Inc.); PubMed 32510614 (cited by Ambry Genetics).